The following is an entry in ClinVar:

NM_002471.4(MYH6):c.2716C>A (p.Arg906Ser)

Gene: MYH6 (myosin heavy chain 6; minus strand). Cytogenetic location: 14q11.2.
Variant type: single nucleotide variant.
Coding change: c.2716C>A on transcript NM_002471.4 (MANE Select); coding-DNA position 2716, C replaced by A.
Protein change: p.Arg906Ser; replaces arginine 906 with serine.
Molecular consequence: missense variant.
Genome position (GRCh38, 1-based): chr14:23,393,878, G>T on the plus strand (C>A on the coding strand, the complement: MYH6 is on the minus strand). VCF-style: chr14-23393878-G-T. GRCh37 (hg19) VCF-style: chr14-23863087-G-T.
Other names: short protein forms R906S.
Identifiers: ClinVar variation 1377388 (VCV001377388.10), dbSNP rs143928061, ClinGen allele CA7115384.
Genomic context (GRCh38, chr14:23,393,878, plus strand): 5'-CATTCATCTCCTTTACTTTGGCCTCCAGCTGAATCTTGTTTTTGATCAGCTGGTCGCAGC[G>T]CTCCTCAGCATCATTGAGGTTGTCTTGTTCCTGGGAGAAGAGAACAGGGAGGAAGCTGAT-3'
Protein context (NP_002462.2, residues 896-916): EQDNLNDAEE[Arg906Ser]CDQLIKNKIQ

ClinVar aggregate classification (germline): Uncertain significance. Review status: criteria provided, multiple submitters, no conflicts (2 of 4 stars). 3 submissions from 3 submitters: Uncertain significance (3). Last evaluated 2025-05-30.

Conditions:
Cardiovascular phenotype. Identifiers: MedGen CN230736.
Hypertrophic cardiomyopathy 14. Identifiers: MedGen C2750467, MONDO:0013197, OMIM 613251.

gnomAD v4.1: 14 of 1,614,178 alleles (0.00087%); highest among the groups gnomAD compares: Non-Finnish European, 0.0012%; no homozygotes.

Submissions (3):

Ambry Genetics
Classification: Uncertain significance for Cardiovascular phenotype. Last evaluated: 2025-05-30. Review status: criteria provided, single submitter. Criteria: Ambry Variant Classification Scheme 2023. Collection method: clinical testing. Allele origin: germline.
Comment: The p.R906S variant (also known as c.2716C>A), located in coding exon 20 of the MYH6 gene, results from a C to A substitution at nucleotide position 2716. The arginine at codon 906 is replaced by serine, an amino acid with dissimilar properties. This amino acid position is conserved. In addition, this alteration is predicted to be deleterious by in silico analysis. Since supporting evidence is limited at this time, the clinical significance of this alteration remains unclear.

Labcorp Genetics (formerly Invitae), Labcorp
Classification: Uncertain significance for Hypertrophic cardiomyopathy 14. Last evaluated: 2022-09-14. Review status: criteria provided, single submitter. Criteria: Invitae Variant Classification Sherloc (09022015). Collection method: clinical testing. Allele origin: germline.
Comment: This variant is present in population databases (rs143928061, gnomAD 0.003%). This variant has not been reported in the literature in individuals affected with MYH6-related conditions. ClinVar contains an entry for this variant (Variation ID: 1377388). Advanced modeling of protein sequence and biophysical properties (such as structural, functional, and spatial information, amino acid conservation, physicochemical variation, residue mobility, and thermodynamic stability) performed at Invitae indicates that this missense variant is not expected to disrupt MYH6 protein function. In summary, the available evidence is currently insufficient to determine the role of this variant in disease. Therefore, it has been classified as a Variant of Uncertain Significance. This sequence change replaces arginine, which is basic and polar, with serine, which is neutral and polar, at codon 906 of the MYH6 protein (p.Arg906Ser).

AiLife Diagnostics
Classification: Uncertain significance. Last evaluated: 2022-01-06. Review status: criteria provided, single submitter. Criteria: ACMG Guidelines, 2015. Collection method: clinical testing. Allele origin: germline. Affected: yes. Observed: 1 variant allele.